The following is an entry in ClinVar:

NM_003562.5(SLC25A11):c.103_104delinsTT (p.Ala35Phe)

Gene: SLC25A11 (solute carrier family 25 member 11; minus strand). Cytogenetic location: 17p13.2.
Variant type: Indel.
Coding change: c.103_104delinsTT on transcript NM_003562.5 (MANE Select); coding-DNA positions 103 to 104, GC replaced by TT.
Protein change: p.Ala35Phe; replaces alanine 35 with phenylalanine.
Molecular consequence: missense variant. On other transcripts: intron variant (1).
Genome position (GRCh38, 1-based): chr17:4,939,204-4,939,205, GC replaced by AA on the plus strand (GC replaced by TT on the coding strand, the reverse complement: SLC25A11 is on the minus strand). VCF-style: chr17-4939204-GC-AA. GRCh37 (hg19) VCF-style: chr17-4842499-GC-AA.
Other names: c.70_71delinsTT, p.Ala24Phe (NM_001165417.2); c.96-230_96-229delinsTT (NM_001165418.2); short protein forms A24F, A35F.
Identifiers: ClinVar variation 3651906 (VCV003651906.2).

ClinVar aggregate classification (germline): Uncertain significance (1 of 4 stars; one submission).

Submission:

Labcorp Genetics (formerly Invitae), Labcorp
Classification: Uncertain significance. Last evaluated: 2024-05-02. Review status: criteria provided, single submitter. Criteria: Invitae Variant Classification Sherloc (09022015). Collection method: clinical testing. Allele origin: germline.
Comment: This sequence change replaces alanine, which is neutral and non-polar, with phenylalanine, which is neutral and non-polar, at codon 35 of the SLC25A11 protein (p.Ala35Phe). Information on the frequency of this variant in the gnomAD database is not available, as this variant may be reported differently in the database. This variant has not been reported in the literature in individuals affected with SLC25A11-related conditions. Experimental studies and prediction algorithms are not available or were not evaluated, and the functional significance of this variant is currently unknown. In summary, the available evidence is currently insufficient to determine the role of this variant in disease. Therefore, it has been classified as a Variant of Uncertain Significance.